The following is an entry in ClinVar:

NM_024422.6(DSC2):c.1205G>T (p.Gly402Val)

Gene: DSC2 (desmocollin 2; minus strand). Cytogenetic location: 18q12.1.
Variant type: single nucleotide variant.
Coding change: c.1205G>T on transcript NM_024422.6 (MANE Select); coding-DNA position 1205, G replaced by T.
Protein change: p.Gly402Val; replaces glycine 402 with valine.
Molecular consequence: missense variant.
Genome position (GRCh38, 1-based): chr18:31,082,296, C>A on the plus strand (G>T on the coding strand, the complement: DSC2 is on the minus strand). VCF-style: chr18-31082296-C-A. GRCh37 (hg19) VCF-style: chr18-28662262-C-A.
Other names: c.776G>T, p.Gly259Val (NM_001406506.1, NM_001406507.1); c.1205G>T, p.Gly402Val (NM_004949.5); short protein forms G402V, G259V.
Identifiers: ClinVar variation 1748699 (VCV001748699.9), dbSNP rs1417867104, ClinGen allele CA402109564.

ClinVar aggregate classification (germline): Uncertain significance. Review status: criteria provided, multiple submitters, no conflicts (2 of 4 stars). 4 submissions from 4 submitters: Uncertain significance (4). Last evaluated 2025-11-09.

Conditions:
Arrhythmogenic right ventricular dysplasia 11. Also called: Arrhythmogenic Right Ventricular Dysplasia/Cardiomyopathy11; ARRHYTHMOGENIC RIGHT VENTRICULAR DYSPLASIA, FAMILIAL, 11; Arrhythmogenic right ventricular dysplasia 11 with mild palmoplantar keratoderma and woolly hair. Identifiers: MedGen C1864850, MONDO:0012506, OMIM 610476.
Cardiomyopathy (CMYO). Also called: Cardiomyopathies. Identifiers: Orphanet 167848, MedGen C0878544, MONDO:0004994, HP:0001638. Inheritance: Various modes of inheritance.
Cardiovascular phenotype. Identifiers: MedGen CN230736.

Allele frequency attached by ClinVar (database versions not stated): gnomAD 0.00003; TOPMed 0.00003.
gnomAD v4.1: 6 of 1,613,572 alleles (0.00037%); highest among the groups gnomAD compares: African/African-American, 0.008%; no homozygotes.

Submissions (4):

Labcorp Genetics (formerly Invitae), Labcorp
Classification: Uncertain significance for Arrhythmogenic right ventricular dysplasia 11. Last evaluated: 2025-11-09. Review status: criteria provided, single submitter. Criteria: Invitae Variant Classification Sherloc (09022015). Collection method: clinical testing. Allele origin: germline.
Comment: This sequence change replaces glycine, which is neutral and non-polar, with valine, which is neutral and non-polar, at codon 402 of the DSC2 protein (p.Gly402Val). This variant is present in population databases (no rsID available, gnomAD 0.007%). This variant has not been reported in the literature in individuals affected with DSC2-related conditions. ClinVar contains an entry for this variant (Variation ID: 1748699). Invitae Evidence Modeling of protein sequence and biophysical properties (such as structural, functional, and spatial information, amino acid conservation, physicochemical variation, residue mobility, and thermodynamic stability) indicates that this missense variant is expected to disrupt DSC2 protein function with a positive predictive value of 80%. In summary, the available evidence is currently insufficient to determine the role of this variant in disease. Therefore, it has been classified as a Variant of Uncertain Significance.

Color Diagnostics, LLC DBA Color Health
Classification: Uncertain significance for Cardiomyopathy. Last evaluated: 2025-08-22. Review status: criteria provided, single submitter. Criteria: ACMG Guidelines, 2015. Collection method: clinical testing. Allele origin: germline.
Comment: This missense variant replaces glycine with valine at codon 402 of the DSC2 protein. Computational prediction suggests that this variant may not impact protein structure and function. To our knowledge, functional studies have not been reported for this variant. This variant has not been reported in individuals affected with DSC2-related disorders in the literature. This variant has been identified in 1/251028 chromosomes in the general population by the Genome Aggregation Database (gnomAD). The available evidence is insufficient to determine the role of this variant in disease conclusively. Therefore, this variant is classified as a Variant of Uncertain Significance.

GeneDx
Classification: Uncertain significance. Last evaluated: 2025-06-28. Review status: criteria provided, single submitter. Criteria: GeneDx Variant Classification Process June 2021. Collection method: clinical testing. Allele origin: germline. Affected: yes.
Comment: Not observed at significant frequency in large population cohorts (gnomAD); In silico analysis supports that this missense variant has a deleterious effect on protein structure/function; Has not been previously published as pathogenic or benign to our knowledge

Ambry Genetics
Classification: Uncertain significance for Cardiovascular phenotype. Last evaluated: 2021-03-18. Review status: criteria provided, single submitter. Criteria: Ambry Variant Classification Scheme 2023. Collection method: clinical testing. Allele origin: germline.
Comment: The p.G402V variant (also known as c.1205G>T), located in coding exon 9 of the DSC2 gene, results from a G to T substitution at nucleotide position 1205. The glycine at codon 402 is replaced by valine, an amino acid with dissimilar properties. This amino acid position is not well conserved in available vertebrate species. In addition, the in silico prediction for this alteration is inconclusive. Since supporting evidence is limited at this time, the clinical significance of this alteration remains unclear.